The following is an entry in ClinVar:

NM_001374828.1(ARID1B):c.1811del (p.Met604fs)

Gene: ARID1B (AT-rich interaction domain 1B; plus strand). Cytogenetic location: 6q25.3.
Variant type: Deletion.
Coding change: c.1811del on transcript NM_001374828.1 (MANE Select); coding-DNA position 1811, one base deleted (T; older notation c.1811delT).
Protein change: p.Met604fs; shifts the reading frame from methionine 604.
Molecular consequence: frameshift variant.
Genome position (GRCh38, 1-based): chr6:156,829,246, T deleted. VCF-style (leftmost placement, unchanged base first): chr6-156829245-AT-A. GRCh37 (hg19) VCF-style: chr6-157150379-AT-A.
Other names: c.1562delT, p.Met521Argfs (NM_001346813.1, NM_020732.3); c.1811del, p.Met604fs (NM_001371656.1, NM_001374820.1, NM_017519.3); c.1388delT, p.Met463Argfs (NM_175863.2); short protein forms M604fs.
Identifiers: ClinVar variation 2502873 (VCV002502873.1), dbSNP rs2547121857, ClinGen allele CA2580615808.

ClinVar aggregate classification (germline): Likely pathogenic (1 of 4 stars; one submission).

Conditions:
Coffin-Siris syndrome 1 (CSS1). Also called: Mental retardation, autosomal dominant 12; ARID1B-Related Coffin-Siris Syndrome. Identifiers: Orphanet 1465, MedGen C3281201, MONDO:0007617, OMIM 135900. Disease mechanism: gain of function.

Submission:

Center for Human Genetics and Genomic Medicine, Uniklinik Rwth Aachen
Classification: Likely pathogenic for Coffin-Siris syndrome 1. Last evaluated: 2023-05-11. Review status: criteria provided, single submitter. Criteria: ACMG Guidelines, 2015. Collection method: clinical testing. Allele origin: unknown. Inheritance: Autosomal dominant inheritance. Affected: yes. Observed: 1 heterozygote.
Comment: The detected change is not reported in the general population (gnomAD) (as of May 11, 2023). It has not yet been described in the ClinVar database or in the literature. The variant results in a frameshift with a subsequent stop codon. This usually leads either to premature termination of translation or a so-called "nonsense-mediated mRNA decay". In both cases, there is a loss of function of the protein. Intolerance to haploinsufficiency has been described as a pathomechanism for the gene examined. Therefore, a pathogenetic relevance can be assumed with high probability. The variant is currently to be regarded as a "likely pathogenic variant" (ACMG criteria).